The following is an entry in ClinVar:

ClinVar aggregate classification (germline): Uncertain significance. Review status: criteria provided, multiple submitters, no conflicts (2 of 4 stars). 3 submissions from 3 submitters: Uncertain significance (3). Last evaluated 2025-07-27.

Conditions:
Mucopolysaccharidosis, MPS-III-C (MPS3C). Also called: MPS III C; MUCOPOLYSACCHARIDOSIS, TYPE IIIC; SANFILIPPO SYNDROME C; mucopolysaccharidosis type 3C; MPS IIIC (Sanfilippo Syndrome Type C); Mucopolysaccharidosis type IIIC (Sanfilippo C). Identifiers: Orphanet 581, Orphanet 79271, MedGen C0086649, MONDO:0009657, OMIM 252930.
Retinitis pigmentosa 73 (RP73). Identifiers: Orphanet 791, MedGen C4225287, MONDO:0014687, OMIM 616544.

Allele frequency attached by ClinVar (database versions not stated): gnomAD exomes below 0.00001; ExAC 0.00001; TOPMed 0.00001.
gnomAD v4.1: 8 of 1,613,908 alleles (0.0005%); highest among the groups gnomAD compares: Admixed American, 0.0017%; no homozygotes.

Submissions (3):

Labcorp Genetics (formerly Invitae), Labcorp
Classification: Uncertain significance for Retinitis pigmentosa 73; Mucopolysaccharidosis, MPS-III-C. Last evaluated: 2025-07-27. Review status: criteria provided, single submitter. Criteria: Invitae Variant Classification Sherloc (09022015). Collection method: clinical testing. Allele origin: germline.
Comment: This sequence change replaces glycine, which is neutral and non-polar, with alanine, which is neutral and non-polar, at codon 401 of the HGSNAT protein (p.Gly401Ala). This variant is present in population databases (rs751563675, gnomAD 0.0009%). This variant has not been reported in the literature in individuals affected with HGSNAT-related conditions. ClinVar contains an entry for this variant (Variation ID: 194134). Invitae Evidence Modeling of protein sequence and biophysical properties (such as structural, functional, and spatial information, amino acid conservation, physicochemical variation, residue mobility, and thermodynamic stability) indicates that this missense variant is not expected to disrupt HGSNAT protein function with a negative predictive value of 95%. In summary, the available evidence is currently insufficient to determine the role of this variant in disease. Therefore, it has been classified as a Variant of Uncertain Significance.

Blueprint Genetics
Classification: Uncertain significance. Last evaluated: 2019-05-23. Review status: criteria provided, single submitter. Criteria: ACMG Guidelines, 2015. Collection method: clinical testing. Allele origin: germline.

Eurofins Ntd Llc (ga)
Classification: Uncertain significance. Last evaluated: 2015-02-09. Review status: criteria provided, single submitter. Criteria: EGL Classification Definitions 2015. Collection method: clinical testing. Allele origin: germline. Observed: 1 variant allele, 1 heterozygote.

NM_152419.3(HGSNAT):c.1202G>C (p.Gly401Ala)

Gene: HGSNAT (heparan-alpha-glucosaminide N-acetyltransferase; plus strand). Cytogenetic location: 8p11.21.
Variant type: single nucleotide variant.
Coding change: c.1202G>C on transcript NM_152419.3 (MANE Select); coding-DNA position 1202, G replaced by C.
Protein change: p.Gly401Ala; replaces glycine 401 with alanine.
Molecular consequence: missense variant.
Genome position (GRCh38, 1-based): chr8:43,191,547, G>C. VCF-style: chr8-43191547-G-C. GRCh37 (hg19) VCF-style: chr8-43046690-G-C.
Other names: c.1202G>C, p.Gly401Ala (NM_001363227.2); c.1010G>C, p.Gly337Ala (NM_001363228.2); c.338G>C, p.Gly113Ala (NM_001363229.2); short protein forms G401A, G337A, G113A.
Identifiers: ClinVar variation 194134 (VCV000194134.7), dbSNP rs751563675, ClinGen allele CA239970.